The following is an entry in ClinVar:

NM_005993.5(TBCD):c.1369T>C (p.Cys457Arg)

Gene: TBCD (tubulin folding cofactor D). Cytogenetic location: 17q25.3.
Variant type: single nucleotide variant.
Coding change: c.1369T>C on transcript NM_005993.5 (MANE Select); coding-DNA position 1369, T replaced by C.
Protein change: p.Cys457Arg; replaces cysteine 457 with arginine.
Molecular consequence: missense variant.
Genome position (GRCh38, 1-based): chr17:82,870,274, T>C. VCF-style: chr17-82870274-T-C. GRCh37 (hg19) VCF-style: chr17-80828150-T-C.
Other names: c.1369T>C (NM_005993.4); short protein forms C457R.
Identifiers: ClinVar variation 1387436 (VCV001387436.7), dbSNP rs369436693, ClinGen allele CA8862541.

ClinVar aggregate classification (germline): Uncertain significance. Review status: criteria provided, multiple submitters, no conflicts (2 of 4 stars). 3 submissions from 3 submitters: Uncertain significance (3). Last evaluated 2024-02-24.

Conditions:
Inborn genetic diseases. Identifiers: MedGen C0950123, MeSH D030342.

Allele frequency attached by ClinVar (database versions not stated): gnomAD exomes 0.00002 and 0.00004; ExAC 0.00004; TOPMed 0.00004; ESP Exome Variant Server 0.00008.
gnomAD v4.1: 38 of 1,613,450 alleles (0.0024%); highest among the groups gnomAD compares: Non-Finnish European, 0.0028%; no homozygotes.

Submissions (3):

Labcorp Genetics (formerly Invitae), Labcorp
Classification: Uncertain significance. Last evaluated: 2024-02-24. Review status: criteria provided, single submitter. Criteria: Invitae Variant Classification Sherloc (09022015). Collection method: clinical testing. Allele origin: germline.
Comment: This sequence change replaces cysteine, which is neutral and slightly polar, with arginine, which is basic and polar, at codon 457 of the TBCD protein (p.Cys457Arg). This variant is present in population databases (rs369436693, gnomAD 0.008%). This variant has not been reported in the literature in individuals affected with TBCD-related conditions. ClinVar contains an entry for this variant (Variation ID: 1387436). Advanced modeling of protein sequence and biophysical properties (such as structural, functional, and spatial information, amino acid conservation, physicochemical variation, residue mobility, and thermodynamic stability) has been performed at Invitae for this missense variant, however the output from this modeling did not meet the statistical confidence thresholds required to predict the impact of this variant on TBCD protein function. In summary, the available evidence is currently insufficient to determine the role of this variant in disease. Therefore, it has been classified as a Variant of Uncertain Significance.

Blueprint Genetics
Classification: Uncertain significance. Last evaluated: 2023-07-20. Review status: criteria provided, single submitter. Criteria: ACMG Guidelines, 2015. Collection method: clinical testing. Allele origin: germline.

Ambry Genetics
Classification: Uncertain significance for Inborn genetic diseases. Last evaluated: 2021-05-16. Review status: criteria provided, single submitter. Criteria: Ambry Variant Classification Scheme 2023. Collection method: clinical testing. Allele origin: germline.